The following is an entry in ClinVar:

ClinVar aggregate classification (germline): Likely pathogenic. Review status: criteria provided, single submitter (1 of 4 stars). 2 submissions from 2 submitters: Likely pathogenic (1). 1 of the submissions does not count toward it. Last evaluated 2026-01-06.

Conditions:
Epidermolysis bullosa dystrophica. Also called: Dystrophic epidermolysis bullosa, Hallopeau-Siemens type (formerly); Dystrophic epidermolysis bullosa. Identifiers: Orphanet 303, MedGen C0079294, MONDO:0006543.

Allele frequency attached by ClinVar (database versions not stated): gnomAD exomes below 0.00001.
gnomAD v4.1: 1 of 1,613,772 alleles (0.000062%); highest among the groups gnomAD compares: Admixed American, 0.0017%; no homozygotes.

Submissions (2):

Labcorp Genetics (formerly Invitae), Labcorp
Classification: Likely pathogenic. Last evaluated: 2026-01-06. Review status: criteria provided, single submitter. Criteria: Invitae Variant Classification Sherloc (09022015). Collection method: clinical testing. Allele origin: germline.
Comment: This sequence change affects an acceptor splice site in intron 35 of the COL7A1 gene. It is expected to disrupt RNA splicing. Variants that disrupt the donor or acceptor splice site typically lead to a loss of protein function (PMID: 16199547), and loss-of-function variants in COL7A1 are known to be pathogenic (PMID: 16971478). This variant is present in population databases (no rsID available, gnomAD 0.003%). This variant has not been reported in the literature in individuals affected with COL7A1-related conditions. ClinVar contains an entry for this variant (Variation ID: 1067537). Algorithms developed to predict the effect of sequence changes on RNA splicing suggest that this variant may disrupt the consensus splice site. In summary, the currently available evidence indicates that the variant is pathogenic, but additional data are needed to prove that conclusively. Therefore, this variant has been classified as Likely Pathogenic.

Natera, Inc.
Classification: Likely pathogenic for Dystrophic epidermolysis bullosa. Last evaluated: 2020-12-17. Review status: no assertion criteria provided. Collection method: clinical testing. Allele origin: germline. Not counted in ClinVar's aggregate classification.

Literature cited by the submitters: PubMed 16199547 (cited by Labcorp Genetics (formerly Invitae), Labcorp); PubMed 16971478 (cited by Labcorp Genetics (formerly Invitae), Labcorp).

NM_000094.4(COL7A1):c.4120-1G>A

Gene: COL7A1 (collagen type VII alpha 1 chain; minus strand). Cytogenetic location: 3p21.31.
Variant type: single nucleotide variant.
Coding change: c.4120-1G>A on transcript NM_000094.4 (MANE Select); the canonical splice acceptor site of the intron before coding-DNA position 4120, G replaced by A.
Molecular consequence: splice acceptor variant.
Genome position (GRCh38, 1-based): chr3:48,584,376, C>T on the plus strand (G>A on the coding strand, the complement: COL7A1 is on the minus strand). VCF-style: chr3-48584376-C-T. GRCh37 (hg19) VCF-style: chr3-48621809-C-T.
Identifiers: ClinVar variation 1067537 (VCV001067537.6), dbSNP rs1299648939, ClinGen allele CA352695562.
Genomic context (GRCh38, chr3:48,584,376, plus strand): 5'-AAGCCCTGGGGGGCCACGGGGTCCTGGGTCCCCCAGTGGTCCACGAGGTCCAGGGGGGCC[C>T]TGATGGAGGAGACAAAGTATAAGGTGCAACCCCACAGACCTCACTCTCGCCCCCCTCGTG-3'